The following is an entry in ClinVar:

ClinVar aggregate classification (germline): Conflicting classifications of pathogenicity. Review status: criteria provided, conflicting classifications (1 of 4 stars). 3 submissions from 3 submitters: Uncertain significance (2); Likely benign (1). Last evaluated 2025-05-06.

Conditions:
Hereditary cancer-predisposing syndrome. Also called: Tumor predisposition; Hereditary neoplastic syndrome; Hereditary Cancer Syndrome; Neoplastic Syndromes, Hereditary. Identifiers: Orphanet 140162, MedGen C0027672, MeSH D009386, MONDO:0015356.

Allele frequency attached by ClinVar (database versions not stated): gnomAD exomes below 0.00001; TOPMed below 0.00001.
gnomAD v4.1: 6 of 1,613,960 alleles (0.00037%); highest among the groups gnomAD compares: Non-Finnish European, 0.00042%; no homozygotes.

Submissions (3):

Dasa
Classification: Uncertain significance. Last evaluated: 2025-05-06. Review status: criteria provided, single submitter. Criteria: DASA Assertion Criteria. Collection method: clinical testing. Allele origin: germline.
Comment: NM_005732.4(RAD50):c.3260A>G (p.His1087Arg) is a missense variant that results in the substitution of histidine with arginine. This variant is rare in population databases. Computational prediction algorithms are consistent with a benign effect. The currently available literature and clinical evidence are not sufficient to establish a definitive association between this variant and the reported condition. Therefore, this variant is classified as a variant of uncertain significance.

Labcorp Genetics (formerly Invitae), Labcorp
Classification: Uncertain significance for Hereditary cancer-predisposing syndrome. Last evaluated: 2025-04-28. Review status: criteria provided, single submitter. Criteria: Invitae Variant Classification Sherloc (09022015). Collection method: clinical testing. Allele origin: germline.
Comment: This sequence change replaces histidine, which is basic and polar, with arginine, which is basic and polar, at codon 1087 of the RAD50 protein (p.His1087Arg). This variant is present in population databases (rs758983771, gnomAD 0.004%). This variant has not been reported in the literature in individuals affected with RAD50-related conditions. ClinVar contains an entry for this variant (Variation ID: 233472). Invitae Evidence Modeling of protein sequence and biophysical properties (such as structural, functional, and spatial information, amino acid conservation, physicochemical variation, residue mobility, and thermodynamic stability) indicates that this missense variant is not expected to disrupt RAD50 protein function with a negative predictive value of 80%. In summary, the available evidence is currently insufficient to determine the role of this variant in disease. Therefore, it has been classified as a Variant of Uncertain Significance.

Ambry Genetics
Classification: Likely benign for Hereditary cancer-predisposing syndrome. Last evaluated: 2024-03-28. Review status: criteria provided, single submitter. Criteria: Ambry Variant Classification Scheme 2023. Collection method: clinical testing. Allele origin: germline.

Literature cited by the submitters: PubMed 24894818 (cited by Ambry Genetics); PubMed 26787654 (cited by Ambry Genetics).

NM_005732.4(RAD50):c.3260A>G (p.His1087Arg)

Gene: RAD50 (RAD50 double strand break repair protein; plus strand). Cytogenetic location: 5q31.1.
Variant type: single nucleotide variant.
Coding change: c.3260A>G on transcript NM_005732.4 (MANE Select); coding-DNA position 3260, A replaced by G.
Protein change: p.His1087Arg; replaces histidine 1087 with arginine.
Molecular consequence: missense variant.
Genome position (GRCh38, 1-based): chr5:132,618,165, A>G. VCF-style: chr5-132618165-A-G. GRCh37 (hg19) VCF-style: chr5-131953857-A-G.
Other names: short protein forms H1087R.
Identifiers: ClinVar variation 233472 (VCV000233472.18), dbSNP rs758983771, ClinGen allele CA3405546.